The following is an entry in ClinVar:

ClinVar aggregate classification (germline): Likely benign. Review status: criteria provided, multiple submitters, no conflicts (2 of 4 stars). 2 submissions from 2 submitters: Likely benign (2). Last evaluated 2026-01-03.

Conditions:
Neuronal ceroid lipofuscinosis 1 (CLN1). Also called: CEROID LIPOFUSCINOSIS, NEURONAL, 1, VARIABLE AGE AT ONSET; PPT1-Related Neuronal Ceroid-Lipofuscinosis. Identifiers: Orphanet 228329, MedGen C1850451, MONDO:0009744, OMIM 256730.

Allele frequency attached by ClinVar (database versions not stated): gnomAD exomes below 0.00001; TOPMed below 0.00001; gnomAD 0.00001.
gnomAD v4.1: 3 of 1,613,916 alleles (0.00019%); highest among the groups gnomAD compares: Admixed American, 0.0017%; no homozygotes.

Submissions (2):

Labcorp Genetics (formerly Invitae), Labcorp
Classification: Likely benign for Neuronal ceroid lipofuscinosis 1. Last evaluated: 2026-01-03. Review status: criteria provided, single submitter. Criteria: Invitae Variant Classification Sherloc (09022015). Collection method: clinical testing. Allele origin: germline.

GeneDx
Classification: Likely benign. Last evaluated: 2018-04-12. Review status: criteria provided, single submitter. Criteria: GeneDx Variant Classification (06012015). Collection method: clinical testing. Allele origin: germline. Affected: yes.
Comment: This variant is considered likely benign or benign based on one or more of the following criteria: it is a conservative change, it occurs at a poorly conserved position in the protein, it is predicted to be benign by multiple in silico algorithms, and/or has population frequency not consistent with disease.

NM_000310.4(PPT1):c.177G>A (p.Glu59=)

Gene: PPT1 (palmitoyl-protein thioesterase 1; minus strand). Cytogenetic location: 1p34.2.
Variant type: single nucleotide variant.
Coding change: c.177G>A on transcript NM_000310.4 (MANE Select); coding-DNA position 177, G replaced by A.
Protein change: p.Glu59=; no amino-acid change (glutamic acid 59 retained).
Molecular consequence: synonymous variant. On other transcripts: intron variant (1).
Genome position (GRCh38, 1-based): chr1:40,092,455, C>T on the plus strand (G>A on the coding strand, the complement: PPT1 is on the minus strand). VCF-style: chr1-40092455-C-T. GRCh37 (hg19) VCF-style: chr1-40558127-C-T.
Other names: c.177G>A, p.Glu59= (NM_001363695.2); c.125-2943G>A (NM_001142604.2).
Identifiers: ClinVar variation 681760 (VCV000681760.5), dbSNP rs1322148659, ClinGen allele CA417322916.